The following is an entry in ClinVar:

ClinVar aggregate classification (germline): Benign/Likely benign. Review status: criteria provided, multiple submitters, no conflicts (2 of 4 stars). 5 submissions from 5 submitters: Benign (2); Likely benign (2). 1 of the submissions does not count toward it. Last evaluated 2025-12-03.

Conditions:
Cardiovascular phenotype. Identifiers: MedGen CN230736.
Cutis laxa, autosomal recessive, type 1B (ARCL1B). Also called: EFEMP2-Related Cutis Laxa; CUTIS LAXA, AUTOSOMAL RECESSIVE, TYPE IB. Identifiers: Orphanet 90349, MedGen C3280798, MONDO:0013754, OMIM 614437. Disease mechanism: loss of function.
EFEMP2-related disorder. Also called: EFEMP2-related condition.

Allele frequency attached by ClinVar (database versions not stated): gnomAD exomes 0.00004 and 0.00018; ExAC 0.00024; gnomAD 0.00060 and 0.00062; TOPMed 0.00063; 1000 Genomes Project 0.00080; 1000 Genomes Project 30x 0.00094; ESP Exome Variant Server 0.00123.
gnomAD v4.1: 159 of 1,614,038 alleles (0.0099%); highest among the groups gnomAD compares: African/African-American, 0.19%; no homozygotes.

Submissions (5):

Labcorp Genetics (formerly Invitae), Labcorp
Classification: Benign for Cutis laxa, autosomal recessive, type 1B. Last evaluated: 2025-12-03. Review status: criteria provided, single submitter. Criteria: Invitae Variant Classification Sherloc (09022015). Collection method: clinical testing. Allele origin: germline.

Women's Health and Genetics/Laboratory Corporation of America, LabCorp
Classification: Likely benign. Last evaluated: 2023-07-21. Review status: criteria provided, single submitter. Criteria: LabCorp Variant Classification Summary - May 2015. Collection method: clinical testing. Allele origin: germline.

Ambry Genetics
Classification: Likely benign for Cardiovascular phenotype. Last evaluated: 2022-02-20. Review status: criteria provided, single submitter. Criteria: Ambry Variant Classification Scheme 2023. Collection method: clinical testing. Allele origin: germline.

Breakthrough Genomics
Classification: Benign. Review status: criteria provided, single submitter. Criteria: ACMG Guidelines, 2015. Collection method: not provided. Allele origin: germline. Inheritance: Autosomal recessive inheritance. Affected: yes.

PreventionGenetics, part of Exact Sciences
Classification: Likely benign for EFEMP2-related condition. Last evaluated: 2019-03-29. Review status: no assertion criteria provided. Collection method: clinical testing. Allele origin: germline. Not counted in ClinVar's aggregate classification.
Comment: This variant is classified as likely benign based on ACMG/AMP sequence variant interpretation guidelines (Richards et al. 2015 PMID: 25741868, with internal and published modifications).

NM_016938.5(EFEMP2):c.714C>T (p.Gly238=)

Gene: EFEMP2 (EGF-like fibulin extracellular matrix protein 2; minus strand). Cytogenetic location: 11q13.1.
Variant type: single nucleotide variant.
Coding change: c.714C>T on transcript NM_016938.5 (MANE Select); coding-DNA position 714, C replaced by T.
Protein change: p.Gly238=; no amino-acid change (glycine 238 retained).
Molecular consequence: synonymous variant. On other transcripts: non-coding transcript variant (1).
Genome position (GRCh38, 1-based): chr11:65,869,870, G>A on the plus strand (C>T on the coding strand, the complement: EFEMP2 is on the minus strand). VCF-style: chr11-65869870-G-A. GRCh37 (hg19) VCF-style: chr11-65637341-G-A.
Identifiers: ClinVar variation 1168514 (VCV001168514.14), dbSNP rs2234467, ClinGen allele CA6110552.